The following is an entry in ClinVar:

ClinVar aggregate classification (germline): Likely benign. Review status: criteria provided, single submitter (1 of 4 stars). 2 submissions from 2 submitters: Likely benign (1). 1 of the submissions does not count toward it. Last evaluated 2019-01-07.

Conditions:
DAO-related disorder. Also called: DAO-related condition.

Allele frequency attached by ClinVar (database versions not stated): ExAC 0.00004; gnomAD exomes 0.00006 and 0.00012; ESP Exome Variant Server 0.00015; gnomAD 0.00016 and 0.00017; TOPMed 0.00017; 1000 Genomes Project 0.00020; 1000 Genomes Project 30x 0.00031.
gnomAD v4.1: 197 of 1,614,122 alleles (0.012%); highest among the groups gnomAD compares: African/African-American, 0.036%; no homozygotes.

Submissions (2):

Labcorp Genetics (formerly Invitae), Labcorp
Classification: Likely benign. Last evaluated: 2019-01-07. Review status: criteria provided, single submitter. Criteria: Invitae Variant Classification Sherloc (09022015). Collection method: clinical testing. Allele origin: germline.

PreventionGenetics, part of Exact Sciences
Classification: Likely benign for DAO-related condition. Last evaluated: 2019-06-11. Review status: no assertion criteria provided. Collection method: clinical testing. Allele origin: germline. Not counted in ClinVar's aggregate classification.
Comment: This variant is classified as likely benign based on ACMG/AMP sequence variant interpretation guidelines (Richards et al. 2015 PMID: 25741868, with internal and published modifications).

NM_001917.5(DAO):c.33C>T (p.Ile11=)

Gene: DAO (D-amino acid oxidase; plus strand). Cytogenetic location: 12q24.11.
Variant type: single nucleotide variant.
Coding change: c.33C>T on transcript NM_001917.5 (MANE Select); coding-DNA position 33, C replaced by T.
Protein change: p.Ile11=; no amino-acid change (isoleucine 11 retained).
Molecular consequence: synonymous variant.
Genome position (GRCh38, 1-based): chr12:108,885,039, C>T. VCF-style: chr12-108885039-C-T. GRCh37 (hg19) VCF-style: chr12-109278815-C-T.
Identifiers: ClinVar variation 730134 (VCV000730134.5), dbSNP rs146543709, ClinGen allele CA6770939.